The following is an entry in ClinVar:

NM_020461.4(TUBGCP6):c.3892C>T (p.Pro1298Ser)

Gene: TUBGCP6 (tubulin gamma complex component 6; minus strand). Cytogenetic location: 22q13.33.
Variant type: single nucleotide variant.
Coding change: c.3892C>T on transcript NM_020461.4 (MANE Select); coding-DNA position 3892, C replaced by T.
Protein change: p.Pro1298Ser; replaces proline 1298 with serine.
Molecular consequence: missense variant.
Genome position (GRCh38, 1-based): chr22:50,220,467, G>A on the plus strand (C>T on the coding strand, the complement: TUBGCP6 is on the minus strand). VCF-style: chr22-50220467-G-A. GRCh37 (hg19) VCF-style: chr22-50658896-G-A.
Other names: short protein forms P1298S.
Identifiers: ClinVar variation 939430 (VCV000939430.8), dbSNP rs142063347, ClinGen allele CA412177883.

ClinVar aggregate classification (germline): Uncertain significance. Review status: criteria provided, multiple submitters, no conflicts (2 of 4 stars). 2 submissions from 2 submitters: Uncertain significance (2). Last evaluated 2025-09-08.

Conditions:
Inborn genetic diseases. Identifiers: MedGen C0950123, MeSH D030342.

gnomAD v4.1: 6 of 1,612,938 alleles (0.00037%); highest among the groups gnomAD compares: Admixed American, 0.0083%; no homozygotes.

Submissions (2):

Labcorp Genetics (formerly Invitae), Labcorp
Classification: Uncertain significance. Last evaluated: 2025-09-08. Review status: criteria provided, single submitter. Criteria: Invitae Variant Classification Sherloc (09022015). Collection method: clinical testing. Allele origin: germline.
Comment: This sequence change replaces proline, which is neutral and non-polar, with serine, which is neutral and polar, at codon 1298 of the TUBGCP6 protein (p.Pro1298Ser). This variant is present in population databases (no rsID available, gnomAD 0.1%). This variant has not been reported in the literature in individuals affected with TUBGCP6-related conditions. ClinVar contains an entry for this variant (Variation ID: 939430). An algorithm developed to predict the effect of missense changes on protein structure and function outputs the following: PolyPhen-2: "Benign". The serine amino acid residue is found in multiple mammalian species, which suggests that this missense change does not adversely affect protein function. In summary, the available evidence is currently insufficient to determine the role of this variant in disease. Therefore, it has been classified as a Variant of Uncertain Significance.

Ambry Genetics
Classification: Uncertain significance for Inborn genetic diseases. Last evaluated: 2024-10-12. Review status: criteria provided, single submitter. Criteria: Ambry Variant Classification Scheme 2023. Collection method: clinical testing. Allele origin: germline.